The following is an entry in ClinVar:

NM_144993.1:c.2281C>A

Gene: TET3 (tet methylcytosine dioxygenase 3; plus strand).
Variant type: single nucleotide variant.
Other names: c.2281C>A (NM_144993.1).
Identifiers: ClinVar variation 4183073 (VCV004183073.1).

ClinVar aggregate classification (germline): Uncertain significance (1 of 4 stars; one submission).

Conditions:
Inborn genetic diseases. Identifiers: MedGen C0950123, MeSH D030342.

Submission:

Ambry Genetics
Classification: Uncertain significance for Inborn genetic diseases. Last evaluated: 2025-07-28. Review status: criteria provided, single submitter. Criteria: Ambry Variant Classification Scheme 2023. Collection method: clinical testing. Allele origin: germline.
Comment: The c.2281C>A (p.R761S) alteration is located in exon 4 (coding exon 4) of the TET3 gene. This alteration results from a C to A substitution at nucleotide position 2281, causing the arginine (R) at amino acid position 761 to be replaced by a serine (S). This variant was not reported in population-based cohorts in the Genome Aggregation Database (gnomAD). This amino acid position is highly conserved in available vertebrate species. This missense alteration is located in a region that has a low rate of benign missense variation (Lek, 2016; Firth, 2009). This alteration is predicted to be deleterious by in silico analysis. Based on insufficient or conflicting evidence, the clinical significance of this alteration remains unclear.